The following is an entry in ClinVar:

ClinVar aggregate classification (germline): Likely pathogenic (1 of 4 stars; one submission).

Conditions:
Wolman disease (WOLD). Also called: Infantile-Onset LAL-D (Wolman Disease); LIPA DEFICIENCY, COMPLETE; LAL DEFICIENCY, COMPLETE; CHOLESTEROL ESTER HYDROLASE DEFICIENCY, COMPLETE; Acid cholesteryl ester hydrolase deficiency, Wolman type; Acid lipase disease. Identifiers: Orphanet 75233, MedGen C0043208, MONDO:0019148, OMIM 620151.

gnomAD v4.1: 1 of 1,604,762 alleles (0.000062%); highest among the groups gnomAD compares: African/African-American, 0.0013%; no homozygotes.

Submission:

Labcorp Genetics (formerly Invitae), Labcorp
Classification: Likely pathogenic for Wolman disease. Last evaluated: 2023-12-09. Review status: criteria provided, single submitter. Criteria: Invitae Variant Classification Sherloc (09022015). Collection method: clinical testing. Allele origin: germline.
Comment: This sequence change affects a donor splice site in intron 7 of the LIPA gene. It is expected to disrupt RNA splicing. Variants that disrupt the donor or acceptor splice site typically lead to a loss of protein function (PMID: 16199547), and loss-of-function variants in LIPA are known to be pathogenic (PMID: 23485521). This variant is not present in population databases (gnomAD no frequency). This variant has not been reported in the literature in individuals affected with LIPA-related conditions. Algorithms developed to predict the effect of sequence changes on RNA splicing suggest that this variant may disrupt the consensus splice site. In summary, the currently available evidence indicates that the variant is pathogenic, but additional data are needed to prove that conclusively. Therefore, this variant has been classified as Likely Pathogenic.

Literature cited by the submitters: PubMed 16199547; PubMed 23485521.

NM_000235.4(LIPA):c.822+1G>T

Gene: LIPA (lipase A, lysosomal acid type; minus strand). Cytogenetic location: 10q23.31.
Variant type: single nucleotide variant.
Coding change: c.822+1G>T on transcript NM_000235.4 (MANE Select); the canonical splice donor site of the intron after coding-DNA position 822, G replaced by T.
Molecular consequence: splice donor variant.
Genome position (GRCh38, 1-based): chr10:89,223,683, C>A on the plus strand (G>T on the coding strand, the complement: LIPA is on the minus strand). VCF-style: chr10-89223683-C-A. GRCh37 (hg19) VCF-style: chr10-90983440-C-A.
Other names: c.474+1G>T (NM_001288979.2); c.822+1G>T (NM_001127605.3).
Identifiers: ClinVar variation 2701770 (VCV002701770.3), dbSNP rs1204744283, ClinGen allele CA377516805.